The following is an entry in ClinVar:

NM_007294.4(BRCA1):c.866G>C (p.Ser289Thr)

Gene: BRCA1 (BRCA1 DNA repair associated; minus strand). Cytogenetic location: 17q21.31.
Variant type: single nucleotide variant.
Coding change: c.866G>C on transcript NM_007294.4 (MANE Select); coding-DNA position 866, G replaced by C.
Protein change: p.Ser289Thr; replaces serine 289 with threonine.
Molecular consequence: missense variant. On other transcripts: 5 prime UTR variant (2), intron variant (137).
Genome position (GRCh38, 1-based): chr17:43,094,665, C>G on the plus strand (G>C on the coding strand, the complement: BRCA1 is on the minus strand). VCF-style: chr17-43094665-C-G. GRCh37 (hg19) VCF-style: chr17-41246682-C-G.
Other names: c.743G>C, p.Ser248Thr (NM_001407683.1, NM_001407648.1, NM_001407664.1 and 19 more transcripts); c.866G>C, p.Ser289Thr (NM_001407684.1, NM_007300.4, NM_001407581.1 and 30 more transcripts); c.740G>C, p.Ser247Thr (NM_001407685.1, NM_001407686.1, NM_001407687.1 and 11 more transcripts); c.725G>C, p.Ser242Thr (NM_001407692.1, NM_001407694.1, NM_001407695.1 and 29 more transcripts); c.-23G>C (NM_001407966.1, NM_001407967.1); c.646+79G>C (NM_001408458.1, NM_001408469.1, NM_001408453.1 and 11 more transcripts); c.283+79G>C (NM_001408512.1); c.406+79G>C (NM_001408510.1); and 40 more; short protein forms S242T, S289T, S178T, S218T, S219T, S222T, S288T, S121T.
Identifiers: ClinVar variation 849528 (VCV000849528.13), dbSNP rs776999497, ClinGen allele CA10600346.
Genomic context (GRCh38, chr17:43,094,665, plus strand): 5'-TTGCTTTTATTACAGAATTCAGCCTTTTCTACATTCATTCTGTCTTTAGTGAGTAATAAA[C>G]TGCTGTTCTCATGCTGTAATGAGCTGGCATGAGTATTTGTGCCACATGGCTCCACATGCA-3'
Protein context (NP_009225.1, residues 279-299): HASSLQHENS[Ser289Thr]LLLTKDRMNV

ClinVar aggregate classification (germline): Conflicting classifications of pathogenicity. Review status: criteria provided, conflicting classifications (1 of 4 stars). 2 submissions from 2 submitters: Uncertain significance (1); Likely benign (1). Last evaluated 2024-04-15.

Conditions:
Hereditary breast ovarian cancer syndrome. Also called: Hereditary breast and ovarian cancer syndrome; Breast and ovarian cancer; Hereditary breast and/or ovarian cancer syndrome; Hereditary breast and ovarian cancer; BRCA1- and BRCA2-Associated Hereditary Breast and Ovarian Cancer; Hereditary breast and ovarian cancer syndrome (HBOC). Identifiers: Orphanet 145, MedGen C0677776, MeSH D061325, MONDO:0003582. Disease mechanism: loss of function.
Hereditary cancer-predisposing syndrome. Also called: Tumor predisposition; Neoplastic Syndromes, Hereditary; Hereditary neoplastic syndrome; Hereditary Cancer Syndrome. Identifiers: Orphanet 140162, MedGen C0027672, MeSH D009386, MONDO:0015356.

Submissions (2):

Labcorp Genetics (formerly Invitae), Labcorp
Classification: Uncertain significance for Hereditary breast ovarian cancer syndrome. Last evaluated: 2024-04-15. Review status: criteria provided, single submitter. Criteria: Invitae Variant Classification Sherloc (09022015). Collection method: clinical testing. Allele origin: germline.
Comment: This sequence change replaces serine, which is neutral and polar, with threonine, which is neutral and polar, at codon 289 of the BRCA1 protein (p.Ser289Thr). This variant is not present in population databases (gnomAD no frequency). This variant has not been reported in the literature in individuals affected with BRCA1-related conditions. ClinVar contains an entry for this variant (Variation ID: 849528). Advanced modeling of protein sequence and biophysical properties (such as structural, functional, and spatial information, amino acid conservation, physicochemical variation, residue mobility, and thermodynamic stability) performed at Invitae indicates that this missense variant is not expected to disrupt BRCA1 protein function with a negative predictive value of 95%. In summary, the available evidence is currently insufficient to determine the role of this variant in disease. Therefore, it has been classified as a Variant of Uncertain Significance.

University of Washington Department of Laboratory Medicine, University of Washington
Classification: Likely benign for Hereditary cancer-predisposing syndrome. Last evaluated: 2023-03-23. Review status: criteria provided, single submitter. Criteria: Dines et al. (Genet Med. 2020). Collection method: curation. Allele origin: germline.
Comment: Missense variant in a coldspot region where missense variants are very unlikely to be pathogenic (PMID:31911673).

BRCA1 coldspot (exon 11 using historical exon numbering). Reclassification based on statistical prior probability